The following is an entry in ClinVar:

ClinVar aggregate classification (germline): Likely benign (1 of 4 stars; one submission).

Conditions:
MYCBP2-related disorder. Also called: MYCBP2-related condition.

gnomAD v4.1: 126 of 1,605,136 alleles (0.0078%); highest among the groups gnomAD compares: East Asian, 0.27%; 1 homozygote.

Submission:

PreventionGenetics, part of Exact Sciences
Classification: Likely benign for MYCBP2-related condition. Last evaluated: 2024-10-17. Review status: criteria provided, single submitter. Criteria: ACMG Guidelines, 2015. Collection method: clinical testing. Allele origin: germline.
Comment: This variant is classified as likely benign based on ACMG/AMP sequence variant interpretation guidelines (Richards et al. 2015 PMID: 25741868, with internal and published modifications).

NM_015057.5(MYCBP2):c.6544A>G (p.Ile2182Val)

Gene: MYCBP2 (MYC binding protein 2; minus strand). Cytogenetic location: 13q22.3.
Variant type: single nucleotide variant.
Coding change: c.6544A>G on transcript NM_015057.5 (MANE Select); coding-DNA position 6544, A replaced by G.
Protein change: p.Ile2182Val; replaces isoleucine 2182 with valine.
Molecular consequence: missense variant.
Genome position (GRCh38, 1-based): chr13:77,164,457, T>C on the plus strand (A>G on the coding strand, the complement: MYCBP2 is on the minus strand). VCF-style: chr13-77164457-T-C. GRCh37 (hg19) VCF-style: chr13-77738592-T-C.
Other names: short protein forms I2182V.
Identifiers: ClinVar variation 4977111 (VCV004977111.1).